The following is an entry in ClinVar:

NM_001363711.2(DUOX2):c.4645T>C (p.Ter1549Arg)

Gene: DUOX2 (dual oxidase 2; minus strand). Cytogenetic location: 15q21.1.
Variant type: single nucleotide variant.
Coding change: c.4645T>C on transcript NM_001363711.2 (MANE Select); coding-DNA position 4645, T replaced by C.
Protein change: p.Ter1549Arg.
Molecular consequence: stop lost.
Genome position (GRCh38, 1-based): chr15:45,094,152, A>G on the plus strand (T>C on the coding strand, the complement: DUOX2 is on the minus strand). VCF-style: chr15-45094152-A-G. GRCh37 (hg19) VCF-style: chr15-45386350-A-G.
Other names: c.4645T>C, p.Ter1549Arg (NM_014080.5).
Identifiers: ClinVar variation 4703794 (VCV004703794.1).
Genomic context (GRCh38, chr15:45,094,152, plus strand): 5'-ACTTAGGTGCACAGAAGAGAAGGCAGGATACTGGAAGCAGCAGCCAGGGAGGACAGGCTC[A>G]GAAGTTCTCATAGTGGTGCATGAAGTGGGCTCGGTCCTGCCTGTTGACGAGCTGACAGGC-3'

ClinVar aggregate classification (germline): Uncertain significance (1 of 4 stars; one submission).

gnomAD v4.1: 1 of 1,614,208 alleles (0.000062%); highest among the groups gnomAD compares: Admixed American, 0.0017%; no homozygotes.

Submission:

Labcorp Genetics (formerly Invitae), Labcorp
Classification: Uncertain significance. Last evaluated: 2025-06-15. Review status: criteria provided, single submitter. Criteria: Invitae Variant Classification Sherloc (09022015). Collection method: clinical testing. Allele origin: germline.
Comment: This sequence change disrupts the translational stop signal of the DUOX2 mRNA. It is expected to extend the length of the DUOX2 protein by 140 additional amino acid residues. This variant is present in population databases (no rsID available, gnomAD 0.003%). This variant has not been reported in the literature in individuals affected with DUOX2-related conditions. In summary, the available evidence is currently insufficient to determine the role of this variant in disease. Therefore, it has been classified as a Variant of Uncertain Significance.